The following is an entry in ClinVar:

NM_000138.5(FBN1):c.66C>A (p.Ser22Arg)

Genes: FBN1 (fibrillin 1; minus strand), LOC130057019 (ATAC-STARR-seq lymphoblastoid silent region 6417; plus strand). Cytogenetic location: 15q21.1.
Variant type: single nucleotide variant.
Coding change: c.66C>A on transcript NM_000138.5 (MANE Select); coding-DNA position 66, C replaced by A.
Protein change: p.Ser22Arg; replaces serine 22 with arginine.
Molecular consequence: missense variant.
Genome position (GRCh38, 1-based): chr15:48,644,704, G>T on the plus strand (C>A on the coding strand, the complement: FBN1 is on the minus strand). VCF-style: chr15-48644704-G-T. GRCh37 (hg19) VCF-style: chr15-48936901-G-T.
Other names: short protein forms S22R.
Identifiers: ClinVar variation 495639 (VCV000495639.2), dbSNP rs1555407420, ClinGen allele CA392453783.

ClinVar aggregate classification (germline): Uncertain significance. Review status: criteria provided, multiple submitters, no conflicts (2 of 4 stars). 2 submissions from 2 submitters: Uncertain significance (2). Last evaluated 2026-04-03.

Submissions (2):

GeneDx
Classification: Uncertain significance. Last evaluated: 2026-04-03. Review status: criteria provided, single submitter. Criteria: GeneDx Variant Classification Process June 2021. Collection method: clinical testing. Allele origin: germline.
Comment: Not observed at significant frequency in large population cohorts (gnomAD); In silico analysis supports that this missense variant has a deleterious effect on protein structure/function; Has not been previously published as pathogenic or benign to our knowledge; Does not affect a cysteine or calcium-binding residue within an EGF-like domain or a TGF-binding protein domain of the FBN1 gene; cysteine substitutions in the EGF-like domains represent the majority of pathogenic missense changes associated with FBN1-related disorders (PMID: 12938084); This variant is associated with the following publications: (PMID: 12938084)

Women's Health and Genetics/Laboratory Corporation of America, LabCorp
Classification: Uncertain significance. Last evaluated: 2017-08-14. Review status: criteria provided, single submitter. Criteria: LabCorp Variant Classification Summary - May 2015. Collection method: clinical testing. Allele origin: germline.
Comment: Variant summary: The FBN1 c.66C>A (p.Ser22Arg) variant involves the alteration of a conserved nucleotide, resulting in a missense change that is not within a known functional domain (InterPro). 2/4 in silico tools predict a benign outcome for this variant (SNPsandGO not captured due to low reliability index). This variant is absent in 121310 control chromosomes (ExAC). The variant of interest has not, to our knowledge, been reported in affected individuals via publications and/or reputable databases/clinical diagnostic laboratories; nor evaluated for functional impact by in vivo/vitro studies. Because of the absence of clinical information and the lack of functional studies, the variant is classified as a variant of uncertain significance (VUS) until additional information becomes available.